The following is an entry in ClinVar:

ClinVar aggregate classification (germline): Uncertain significance (1 of 4 stars; one submission).

Allele frequency attached by ClinVar (database versions not stated): gnomAD exomes 0.00001.

Submission:

Labcorp Genetics (formerly Invitae), Labcorp
Classification: Uncertain significance. Last evaluated: 2022-06-27. Review status: criteria provided, single submitter. Criteria: Invitae Variant Classification Sherloc (09022015). Collection method: clinical testing. Allele origin: germline.
Comment: In summary, the available evidence is currently insufficient to determine the role of this variant in disease. Therefore, it has been classified as a Variant of Uncertain Significance. Algorithms developed to predict the effect of missense changes on protein structure and function are either unavailable or do not agree on the potential impact of this missense change (SIFT: "Deleterious"; PolyPhen-2: "Probably Damaging"; Align-GVGD: "Class C0"). This variant has not been reported in the literature in individuals affected with SLC39A7-related conditions. This variant is not present in population databases (gnomAD no frequency). This sequence change replaces histidine, which is basic and polar, with arginine, which is basic and polar, at codon 206 of the SLC39A7 protein (p.His206Arg).

NM_006979.3(SLC39A7):c.617A>G (p.His206Arg)

Gene: SLC39A7 (solute carrier family 39 member 7; plus strand). Cytogenetic location: 6p21.32.
Variant type: single nucleotide variant.
Coding change: c.617A>G on transcript NM_006979.3 (MANE Select); coding-DNA position 617, A replaced by G.
Protein change: p.His206Arg; replaces histidine 206 with arginine.
Molecular consequence: missense variant.
Genome position (GRCh38, 1-based): chr6:33,202,108, A>G. VCF-style: chr6-33202108-A-G. GRCh37 (hg19) VCF-style: chr6-33169885-A-G.
Other names: c.617A>G, p.His206Arg (NM_001077516.2); c.242A>G, p.His81Arg (NM_001288777.2); short protein forms H206R, H81R.
Identifiers: ClinVar variation 1358689 (VCV001358689.6), dbSNP rs1212536900, ClinGen allele CA363641442.